The following is an entry in ClinVar:

ClinVar aggregate classification (germline): Uncertain significance. Review status: criteria provided, multiple submitters, no conflicts (2 of 4 stars). 3 submissions from 3 submitters: Uncertain significance (3). Last evaluated 2024-02-28.

Conditions:
Inborn genetic diseases. Identifiers: MedGen C0950123, MeSH D030342.
Upshaw-Schulman syndrome (TTP). Also called: THROMBOTIC THROMBOCYTOPENIC PURPURA, HEREDITARY; Congenital thrombotic thrombocytopenic purpura. Identifiers: Orphanet 93583, MedGen C1268935, MONDO:0010122, OMIM 274150.

Allele frequency attached by ClinVar (database versions not stated): gnomAD exomes below 0.00001; gnomAD 0.00006; TOPMed 0.00010.
gnomAD v4.1: 12 of 1,613,412 alleles (0.00074%); highest among the groups gnomAD compares: Admixed American, 0.017%; no homozygotes.

Submissions (3):

Fulgent Genetics
Classification: Uncertain significance for Upshaw-Schulman syndrome. Last evaluated: 2024-02-28. Review status: criteria provided, single submitter. Criteria: ACMG Guidelines, 2015. Collection method: clinical testing. Allele origin: germline.

Ambry Genetics
Classification: Uncertain significance for Inborn genetic diseases. Last evaluated: 2023-12-13. Review status: criteria provided, single submitter. Criteria: Ambry Variant Classification Scheme 2023. Collection method: clinical testing. Allele origin: germline.

Labcorp Genetics (formerly Invitae), Labcorp
Classification: Uncertain significance. Last evaluated: 2022-10-08. Review status: criteria provided, single submitter. Criteria: Invitae Variant Classification Sherloc (09022015). Collection method: clinical testing. Allele origin: germline.
Comment: This sequence change replaces glycine, which is neutral and non-polar, with arginine, which is basic and polar, at codon 845 of the ADAMTS13 protein (p.Gly845Arg). This variant is not present in population databases (gnomAD no frequency). This variant has not been reported in the literature in individuals affected with ADAMTS13-related conditions. Algorithms developed to predict the effect of missense changes on protein structure and function (SIFT, PolyPhen-2, Align-GVGD) all suggest that this variant is likely to be tolerated. In summary, the available evidence is currently insufficient to determine the role of this variant in disease. Therefore, it has been classified as a Variant of Uncertain Significance.

NM_139027.6(ADAMTS13):c.2533G>A (p.Gly845Arg)

Gene: ADAMTS13 (ADAM metallopeptidase with thrombospondin type 1 motif 13; plus strand). Cytogenetic location: 9q34.2.
Variant type: single nucleotide variant.
Coding change: c.2533G>A on transcript NM_139027.6 (MANE Select); coding-DNA position 2533, G replaced by A.
Protein change: p.Gly845Arg; replaces glycine 845 with arginine.
Molecular consequence: missense variant. On other transcripts: non-coding transcript variant (1).
Genome position (GRCh38, 1-based): chr9:133,444,975, G>A. VCF-style: chr9-133444975-G-A. GRCh37 (hg19) VCF-style: chr9-136310096-G-A.
Other names: c.2533G>A, p.Gly845Arg (NM_139025.5); c.2440G>A, p.Gly814Arg (NM_139026.6); short protein forms G814R, G845R.
Identifiers: ClinVar variation 2139907 (VCV002139907.3), dbSNP rs200125026, ClinGen allele CA200936040.